The following is an entry in ClinVar:

NM_001134407.3(GRIN2A):c.3199C>T (p.Arg1067Trp)

Gene: GRIN2A (glutamate ionotropic receptor NMDA type subunit 2A; minus strand). Cytogenetic location: 16p13.2.
Variant type: single nucleotide variant.
Coding change: c.3199C>T on transcript NM_001134407.3 (MANE Select); coding-DNA position 3199, C replaced by T.
Protein change: p.Arg1067Trp; replaces arginine 1067 with tryptophan.
Molecular consequence: missense variant.
Genome position (GRCh38, 1-based): chr16:9,764,345, G>A on the plus strand (C>T on the coding strand, the complement: GRIN2A is on the minus strand). VCF-style: chr16-9764345-G-A. GRCh37 (hg19) VCF-style: chr16-9858202-G-A.
Other names: c.3199C>T, p.Arg1067Trp (NM_000833.5, NM_001134408.2); short protein forms R1067W.
Identifiers: ClinVar variation 930312 (VCV000930312.3), dbSNP rs1900770162, ClinGen allele CA394708396.

ClinVar aggregate classification (germline): Uncertain significance (1 of 4 stars; one submission).

Conditions:
Landau-Kleffner syndrome (FESD). Also called: EPILEPSY, FOCAL, WITH SPEECH DISORDER AND WITH OR WITHOUT MENTAL RETARDATION; APHASIA, ACQUIRED, WITH EPILEPSY. Identifiers: Orphanet 1945, Orphanet 725, Orphanet 98818, MedGen C0282512, MONDO:0009509, OMIM 245570.

Submission:

Centre for Mendelian Genomics, University Medical Centre Ljubljana
Classification: Uncertain significance for Landau-Kleffner syndrome. Last evaluated: 2018-11-30. Review status: criteria provided, single submitter. Criteria: ACMG Guidelines, 2015. Collection method: clinical testing. Allele origin: unknown. Affected: yes.
Comment: This variant was classified as: Uncertain significance. The available evidence on this variant's pathogenicity is insufficient or conflicting. The following ACMG criteria were applied in classifying this variant: PM2,PP3.